The following is an entry in ClinVar:

ClinVar aggregate classification (germline): Pathogenic. Review status: criteria provided, multiple submitters, no conflicts (2 of 4 stars). 4 submissions from 3 submitters: Pathogenic (3). 1 of the submissions does not count toward it. Last evaluated 2024-04-16.

Conditions:
Hereditary cancer-predisposing syndrome. Also called: Hereditary Cancer Syndrome; Neoplastic Syndromes, Hereditary; Hereditary neoplastic syndrome; Tumor predisposition. Identifiers: Orphanet 140162, MedGen C0027672, MeSH D009386, MONDO:0015356.
Hereditary nonpolyposis colorectal neoplasms. Identifiers: MedGen C0009405, MeSH D003123.
Lynch syndrome 5 (LYNCH5). Also called: Hereditary non-polyposis colorectal cancer, type 5; Colorectal cancer, hereditary nonpolyposis, type 5. Identifiers: Orphanet 144, MedGen C1833477, MONDO:0013710, OMIM 614350. Disease mechanism: loss of function.

Submissions (4):

Labcorp Genetics (formerly Invitae), Labcorp
Classification: Pathogenic for Hereditary nonpolyposis colorectal neoplasms. Last evaluated: 2024-04-16. Review status: criteria provided, single submitter. Criteria: Invitae Variant Classification Sherloc (09022015). Collection method: clinical testing. Allele origin: germline.
Comment: This sequence change creates a premature translational stop signal (p.Trp1007*) in the MSH6 gene. It is expected to result in an absent or disrupted protein product. Loss-of-function variants in MSH6 are known to be pathogenic (PMID: 18269114, 24362816). This variant is not present in population databases (gnomAD no frequency). This variant has not been reported in the literature in individuals affected with MSH6-related conditions. ClinVar contains an entry for this variant (Variation ID: 428294). For these reasons, this variant has been classified as Pathogenic.

Myriad Genetics, Inc.
Classification: Pathogenic for Lynch syndrome 5. Last evaluated: 2023-08-22. Review status: criteria provided, single submitter. Criteria: Myriad Autosomal Dominant, Autosomal Recessive and X-Linked Classification Criteria (2023). Collection method: clinical testing. Allele origin: unknown.
Comment: This variant is considered pathogenic. This variant creates a termination codon and is predicted to result in premature protein truncation.

Ambry Genetics
Classification: Pathogenic for Hereditary cancer-predisposing syndrome. Last evaluated: 2021-09-16. Review status: criteria provided, single submitter. Criteria: Ambry Variant Classification Scheme 2023. Collection method: clinical testing. Allele origin: germline.
Comment: The c.3021delG pathogenic mutation (also known as p.W1007*), located in coding exon 4 of the MSH6 gene, results from a deletion of one nucleotide at nucleotide position 3021, causing a translational frameshift and a stop codon within coding exon 4. This variant is considered to be rare based on population cohorts in the Genome Aggregation Database (gnomAD). This alteration is expected to result in loss of function by premature protein truncation or nonsense-mediated mRNA decay. As such, this alteration is interpreted as a disease-causing mutation.

Ambry Genetics
Classification: Pathogenic for Hereditary cancer-predisposing syndrome. Last evaluated: 2014-04-06. Review status: flagged submission. Criteria: Ambry Autosomal Dominant and X-Linked criteria (10/2015). Collection method: clinical testing. Allele origin: germline. Not counted in ClinVar's aggregate classification.
ClinVar note: Reason: This record appears to be redundant with a more recent record from the same submitter.
ClinVar note: Notes: SCV000187575 appears to be redundant with SCV000580111.

Literature cited by the submitters: PubMed 18269114 (cited by Labcorp Genetics (formerly Invitae), Labcorp); PubMed 24362816 (cited by Labcorp Genetics (formerly Invitae), Labcorp).

NM_000179.3(MSH6):c.3021del (p.Tyr1006_Trp1007insTer)

Gene: MSH6 (mutS homolog 6; plus strand). Cytogenetic location: 2p16.3.
Variant type: Deletion.
Coding change: c.3021del on transcript NM_000179.3 (MANE Select); coding-DNA position 3021, one base deleted (G; older notation c.3021delG).
Protein change: p.Tyr1006_Trp1007insTer.
Molecular consequence: nonsense.
Genome position (GRCh38, 1-based): chr2:47,801,004, G deleted; the last of 2 consecutive G bases (chr2:47,801,003-47,801,004); deleting either gives the same sequence. VCF-style (leftmost placement, unchanged base first): chr2-47801002-TG-T. GRCh37 (hg19) VCF-style: chr2-48028141-TG-T.
Other names: c.2631del, p.Tyr876_Trp877insTer (NM_001281492.2); c.2115del, p.Tyr704_Trp705insTer (NM_001281493.2, NM_001281494.2); c.3020delG (NM_000179.2); c.3021delG (NM_000179.2).
Identifiers: ClinVar variation 428294 (VCV000428294.7), dbSNP rs587782862, ClinGen allele CA011358.
Genomic context (GRCh38, chr2:47,801,002, plus strand): 5'-ACTCGCAATTTGCCAGAAGAATACGAGTTGAAATCTACCAAGAAGGGCTGTAAACGATAC[TG>T]GACCAAAACTATTGAAAAGAAGTTGGCTAATCTCATAAATGCTGAAGAACGGAGGGATGT-3'